The following is an entry in ClinVar:

ClinVar aggregate classification (germline): Conflicting classifications of pathogenicity. Review status: criteria provided, conflicting classifications (1 of 4 stars). 2 submissions from 2 submitters: Likely pathogenic (1); Uncertain significance (1). Last evaluated 2013-05-02.

Conditions:
Autosomal recessive limb-girdle muscular dystrophy type 2Q (LGMDR17). Also called: MUSCULAR DYSTROPHY, LIMB-GIRDLE, AUTOSOMAL RECESSIVE 17. Identifiers: Orphanet 254361, MedGen C3150989, MONDO:0013390, OMIM 613723.

gnomAD v4.1: 3 of 1,566,634 alleles (0.00019%); highest among the groups gnomAD compares: Non-Finnish European, 0.00026%; no homozygotes.

Submissions (2):

Kariminejad - Najmabadi Pathology & Genetics Center
Classification: Uncertain significance. Last evaluated: 2013-05-02. Review status: criteria provided, single submitter. Criteria: ACMG Guidelines, 2015. Collection method: clinical testing. Allele origin: germline. Inheritance: Autosomal recessive inheritance. Affected: yes.
Comment: PM2, PP3, BP1

Juno Genomics, Hangzhou Juno Genomics, Inc
Classification: Likely pathogenic for Autosomal recessive limb-girdle muscular dystrophy type 2Q. Review status: criteria provided, single submitter. Criteria: ACMG Guidelines, 2015. Collection method: clinical testing. Allele origin: germline.
Comment: Absent from controls (or at extremely low frequency if recessive) in Genome Aggregation Database.;Multiple lines of computational evidence support a deleterious effect on the gene or gene product.;For recessive disorders, detected in trans with a pathogenic variant.;Patient's phenotype or family history is highly specific for a disease with a single genetic etiology.

NM_201384.3(PLEC):c.11422G>A (p.Gly3808Ser)

Gene: PLEC (plectin; minus strand). Cytogenetic location: 8q24.3.
Variant type: single nucleotide variant.
Coding change: c.11422G>A on transcript NM_201384.3 (MANE Select); coding-DNA position 11422, G replaced by A.
Protein change: p.Gly3808Ser; replaces glycine 3808 with serine.
Molecular consequence: missense variant.
Genome position (GRCh38, 1-based): chr8:143,918,399, C>T on the plus strand (G>A on the coding strand, the complement: PLEC is on the minus strand). VCF-style: chr8-143918399-C-T. GRCh37 (hg19) VCF-style: chr8-144992567-C-T.
Other names: c.11503G>A, p.Gly3835Ser (NM_000445.5); c.8122G>A, p.Gly2708Ser (NM_001410941.1); c.11380G>A, p.Gly3794Ser (NM_201378.4); c.11356G>A, p.Gly3786Ser (NM_201379.3); c.11833G>A, p.Gly3945Ser (NM_201380.4); c.11326G>A, p.Gly3776Ser (NM_201381.3); c.11422G>A, p.Gly3808Ser (NM_201382.4); c.11434G>A, p.Gly3812Ser (NM_201383.3); short protein forms G2708S, G3776S, G3786S, G3794S, G3808S, G3812S, G3835S, G3945S.
Identifiers: ClinVar variation 3896944 (VCV003896944.3).